The following is an entry in ClinVar:

NM_001267550.2(TTN):c.41306C>T (p.Ser13769Phe)

Gene: TTN (titin; minus strand). Cytogenetic location: 2q31.2.
Variant type: single nucleotide variant.
Coding change: c.41306C>T on transcript NM_001267550.2 (MANE Select); coding-DNA position 41306, C replaced by T.
Protein change: p.Ser13769Phe; replaces serine 13769 with phenylalanine.
Molecular consequence: missense variant.
Genome position (GRCh38, 1-based): chr2:178,636,421, G>A on the plus strand (C>T on the coding strand, the complement: TTN is on the minus strand). VCF-style: chr2-178636421-G-A. GRCh37 (hg19) VCF-style: chr2-179501148-G-A.
Other names: c.36383C>T, p.Ser12128Phe (NM_001256850.1); c.14111C>T, p.Ser4704Phe (NM_003319.4); c.33602C>T, p.Ser11201Phe (NM_133378.4); c.14486C>T, p.Ser4829Phe (NM_133432.3); c.14687C>T, p.Ser4896Phe (NM_133437.4); short protein forms S4704F, S4896F, S11201F, S13769F, S4829F, S12128F.
Identifiers: ClinVar variation 1772035 (VCV001772035.2), dbSNP rs1306932117, ClinGen allele CA349660712.
Genomic context (GRCh38, chr2:178,636,421, plus strand): 5'-GTTTAATATAGATTATGTTCAGAAGACTAGAAATTACCTTCTACAACAAGTTTAGCCGTG[G>A]AGGTCTTTTCTTTGTTTCCCAAACGTAAAACACAGGTGTATTCACCAGCATCGGAAAGTT-3'
Protein context (NP_001254479.2, residues 13759-13779): VLRLGNKEKT[Ser13769Phe]TAKLVVEELP

ClinVar aggregate classification (germline): Uncertain significance (1 of 4 stars; one submission).

Conditions:
Cardiovascular phenotype. Identifiers: MedGen CN230736.

Allele frequency attached by ClinVar (database versions not stated): gnomAD exomes below 0.00001.
gnomAD v4.1: 1 of 1,609,430 alleles (0.000062%); highest among the groups gnomAD compares: Non-Finnish European, 0.000085%; no homozygotes.

Submission:

Ambry Genetics
Classification: Uncertain significance for Cardiovascular phenotype. Last evaluated: 2019-09-05. Review status: criteria provided, single submitter. Criteria: Ambry Variant Classification Scheme 2023. Collection method: clinical testing. Allele origin: germline.
Comment: The p.S4704F variant (also known as c.14111C>T), located in coding exon 52 of the TTN gene, results from a C to T substitution at nucleotide position 14111. The serine at codon 4704 is replaced by phenylalanine, an amino acid with highly dissimilar properties. This amino acid position is well conserved in available vertebrate species. In addition, the in silico prediction for this alteration is inconclusive. Since supporting evidence is limited at this time, the clinical significance of this alteration remains unclear.